The following is an entry in ClinVar:

NM_001374736.1(DST):c.3454G>A (p.Val1152Ile)

Gene: DST (dystonin; minus strand). Cytogenetic location: 6p12.1.
Variant type: single nucleotide variant.
Coding change: c.3454G>A on transcript NM_001374736.1 (MANE Select); coding-DNA position 3454, G replaced by A.
Protein change: p.Val1152Ile; replaces valine 1152 with isoleucine.
Molecular consequence: missense variant.
Genome position (GRCh38, 1-based): chr6:56,634,502, C>T on the plus strand (G>A on the coding strand, the complement: DST is on the minus strand). VCF-style: chr6-56634502-C-T. GRCh37 (hg19) VCF-style: chr6-56499300-C-T.
Other names: c.3355G>A, p.Val1119Ile (NM_001144769.5); c.2941G>A, p.Val981Ile (NM_001144770.2); c.3454G>A, p.Val1152Ile (NM_001374722.1); c.2821G>A, p.Val941Ile (NM_001374729.1, NM_001374730.1, NM_001386100.1 and 1 more transcripts); c.3481G>A, p.Val1161Ile (NM_001374734.1); c.1843G>A, p.Val615Ile (NM_001723.7, NM_015548.5); short protein forms V615I, V1119I, V981I, V941I, V1152I, V1161I.
Identifiers: ClinVar variation 579275 (VCV000579275.10), dbSNP rs199698356, ClinGen allele CA3871159.

ClinVar aggregate classification (germline): Uncertain significance. Review status: criteria provided, multiple submitters, no conflicts (2 of 4 stars). 2 submissions from 2 submitters: Uncertain significance (2). Last evaluated 2026-08-01.

Conditions:
Hereditary sensory and autonomic neuropathy type 6. Also called: Neuropathy, hereditary sensory and autonomic, type VI; HSAN VI. Identifiers: Orphanet 314381, MedGen C3539003, MONDO:0013839, OMIM 614653.
Epidermolysis bullosa simplex 3, localized or generalized intermediate, with BP230 deficiency (EBS3). Also called: Epidermolysis bullosa simplex due to BP230 deficiency; Epidermolysis bullosa simplex, autosomal recessive 2. Identifiers: Orphanet 412181, MedGen C3809470, MONDO:0014180, OMIM 615425.

Allele frequency attached by ClinVar (database versions not stated): TOPMed 0.00003; ExAC 0.00006; 1000 Genomes Project 30x 0.00016; 1000 Genomes Project 0.00020.
gnomAD v4.1: 158 of 1,614,134 alleles (0.0098%); highest among the groups gnomAD compares: Admixed American, 0.02%; no homozygotes.

Submissions (2):

CeGaT Center for Human Genetics Tuebingen
Classification: Uncertain significance. Last evaluated: 2026-08-01. Review status: criteria provided, single submitter. Criteria: CeGaT Center For Human Genetics Tuebingen Variant Classification Criteria Version 2. Collection method: clinical testing. Allele origin: germline. Affected: yes. Observed: 1 variant allele.
Comment: DST: PM2

Labcorp Genetics (formerly Invitae), Labcorp
Classification: Uncertain significance for Epidermolysis bullosa simplex 3, localized or generalized intermediate, with BP230 deficiency; Hereditary sensory and autonomic neuropathy type 6. Last evaluated: 2022-07-19. Review status: criteria provided, single submitter. Criteria: Invitae Variant Classification Sherloc (09022015). Collection method: clinical testing. Allele origin: germline.
Comment: This sequence change replaces valine, which is neutral and non-polar, with isoleucine, which is neutral and non-polar, at codon 615 of the DST protein (p.Val615Ile). This variant is present in population databases (rs199698356, gnomAD 0.01%). This variant has not been reported in the literature in individuals affected with DST-related conditions. ClinVar contains an entry for this variant (Variation ID: 579275). Algorithms developed to predict the effect of missense changes on protein structure and function output the following: SIFT: "Tolerated"; PolyPhen-2: "Possibly Damaging"; Align-GVGD: "Class C0". The isoleucine amino acid residue is found in multiple mammalian species, which suggests that this missense change does not adversely affect protein function. In summary, the available evidence is currently insufficient to determine the role of this variant in disease. Therefore, it has been classified as a Variant of Uncertain Significance.